The following is an entry in ClinVar:

NM_004316.4(ASCL1):c.123A>G (p.Ala41=)

Genes: ASCL1 (achaete-scute family bHLH transcription factor 1; plus strand), PAH (phenylalanine hydroxylase; minus strand). Cytogenetic location: 12q23.2.
Variant type: single nucleotide variant.
Coding change: c.123A>G on transcript NM_004316.4 (MANE Select); coding-DNA position 123, A replaced by G.
Protein change: p.Ala41=; no amino-acid change (alanine 41 retained).
Molecular consequence: synonymous variant. On other transcripts: 5 prime UTR variant (1).
Genome position (GRCh38, 1-based): chr12:102,958,367, A>G. VCF-style: chr12-102958367-A-G. GRCh37 (hg19) VCF-style: chr12-103352145-A-G.
Other names: c.-268T>C (NM_001354304.2).
Identifiers: ClinVar variation 193279 (VCV000193279.33), dbSNP rs558732328, ClinGen allele CA200460.

ClinVar aggregate classification (germline): Benign/Likely benign. Review status: criteria provided, multiple submitters, no conflicts (2 of 4 stars). 5 submissions from 5 submitters: Benign (2); Likely benign (2). 1 of the submissions does not count toward it. Last evaluated 2023-01-01.

Conditions:
ASCL1-related disorder. Also called: ASCL1-related condition.

Allele frequency attached by ClinVar (database versions not stated): gnomAD exomes 0.00412 and 0.01192; TOPMed 0.00687; ExAC 0.00153; 1000 Genomes Project 0.00300; gnomAD 0.00689 and 0.00702.
gnomAD v4.1: 16,120 of 1,441,078 alleles (1.1%); highest among the groups gnomAD compares: Non-Finnish European, 1.4%; 120 homozygotes.

Submissions (5):

CeGaT Center for Human Genetics Tuebingen
Classification: Benign. Last evaluated: 2023-01-01. Review status: criteria provided, single submitter. Criteria: CeGaT Center For Human Genetics Tuebingen Variant Classification Criteria Version 2. Collection method: clinical testing. Allele origin: germline. Affected: yes. Observed: 1 variant allele.
Comment: ASCL1: BP4, BP7, BS1, BS2

Eurofins Ntd Llc (ga)
Classification: Benign. Last evaluated: 2015-06-05. Review status: criteria provided, single submitter. Criteria: EGL Classification Definitions 2015. Collection method: clinical testing. Allele origin: germline. Observed: 1 variant allele, 1 heterozygote.

Laboratory for Molecular Medicine, Mass General Brigham Personalized Medicine
Classification: Likely benign. Last evaluated: 2015-02-24. Review status: criteria provided, single submitter. Criteria: LMM Criteria. Collection method: clinical testing. Allele origin: germline. Observed: 1 variant allele.
Comment: p.Ala41Ala in exon 1 of ASCL1: This variant is not expected to have clinical sig nificance because it does not alter an amino acid residue and is not located wit hin the splice consensus sequence.

Breakthrough Genomics
Classification: Likely benign. Review status: criteria provided, single submitter. Criteria: ACMG Guidelines, 2015. Collection method: not provided. Allele origin: germline. Inheritance: Unknown mechanism. Affected: yes.

PreventionGenetics, part of Exact Sciences
Classification: Likely benign for ASCL1-related condition. Last evaluated: 2022-07-21. Review status: no assertion criteria provided. Collection method: clinical testing. Allele origin: germline. Not counted in ClinVar's aggregate classification.
Comment: This variant is classified as likely benign based on ACMG/AMP sequence variant interpretation guidelines (Richards et al. 2015 PMID: 25741868, with internal and published modifications).